The following is an entry in ClinVar:

ClinVar aggregate classification (germline): Likely pathogenic. Review status: criteria provided, multiple submitters, no conflicts (2 of 4 stars). 3 submissions from 3 submitters: Likely pathogenic (2). 1 of the submissions does not count toward it. Last evaluated 2019-02-01.

Conditions:
Abnormality of coagulation. Identifiers: MedGen C1846821, HP:0001928.

Allele frequency attached by ClinVar (database versions not stated): gnomAD exomes below 0.00001 and 0.00001; gnomAD 0.00002; TOPMed 0.00003.
gnomAD v4.1: 21 of 1,613,986 alleles (0.0013%); highest among the groups gnomAD compares: African/African-American, 0.0067%; no homozygotes.

Submissions (3):

NIHR Bioresource Rare Diseases, University of Cambridge
Classification: Likely pathogenic for Abnormality of coagulation. Last evaluated: 2019-02-01. Review status: criteria provided, single submitter. Criteria: ACMG Guidelines, 2015. Collection method: research. Allele origin: unknown. Affected: yes. Observed: 1 compound heterozygote. Study: ThromboGenomics.

ARUP Laboratories, Molecular Genetics and Genomics, ARUP Laboratories
Classification: Likely pathogenic. Last evaluated: 2017-10-05. Review status: criteria provided, single submitter. Criteria: ARUP Molecular Germline Variant Investigation Process. Collection method: clinical testing. Allele origin: germline.
Comment: The VWF c.2447G>A; p.Arg816Gln variant (also known as Arg53Gln in the mature protein) is published in the medical literature associated with VWD type 2N (Mazurier 2001, Michiels 2009). Additionally, another variant in this codon, p.Arg816Trp (Arg53Trp in the mature protein), is one of the most common VWD type 2N pathogenic variants (Gaucher 1991, Mazurier 2001, Michiels 2009, Qin 2014). The c.2447G>A; p.Arg816Gln variant is listed in the ClinVar database (Variation ID: 100223), in the dbSNP variant database (rs62643634), and in the Genome Aggregation Database with a very low allele frequency (2/277164 alleles). The arginine at this position is well conserved, occurs in the F8 binding domain (Mazurier 2001), and computational algorithms (PolyPhen2, SIFT) predict this variant is deleterious. Considering available information, this variant is classified as likely pathogenic. References: Gaucher C et al. Identification of two point mutations in the von Willebrand factor gene of three families with the 'Normandy' variant of von Willebrand disease. Br J Haematol. 1991 Aug;78(4):506-14. Mazurier C et al. Type 2N von Willebrand disease: clinical manifestations, pathophysiology, laboratory diagnosis and molecular biology. Best Pract Res Clin Haematol. 2001 Jun;14(2):337-47. Michiels JJ et al. Recessive von Willebrand disease type 2 Normandy: variable expression of mild hemophilia and VWD type 1. Acta Haematol. 2009;121(2-3):119-27. Qin HH et al. Similarity in joint and mucous bleeding syndromes in type 2N von Willebrand disease and severe hemophilia A coexisting with type 1 von Willebrand disease in two Chinese pedigrees. Blood Cells Mol Dis. 2014 Apr;52(4):181-5.

Academic Unit of Haematology, University of Sheffield
No classification provided. Review status: no classification provided. Collection method: not provided. Allele origin: not provided. Not counted in ClinVar's aggregate classification.

Literature cited by the submitters: PubMed 31064749 (cited by NIHR Bioresource Rare Diseases, University of Cambridge).

NM_000552.5(VWF):c.2447G>A (p.Arg816Gln)

Gene: VWF (von Willebrand factor; minus strand). Cytogenetic location: 12p13.31.
Variant type: single nucleotide variant.
Coding change: c.2447G>A on transcript NM_000552.5 (MANE Select); coding-DNA position 2447, G replaced by A.
Protein change: p.Arg816Gln; replaces arginine 816 with glutamine.
Molecular consequence: missense variant.
Genome position (GRCh38, 1-based): chr12:6,036,487, C>T on the plus strand (G>A on the coding strand, the complement: VWF is on the minus strand). VCF-style: chr12-6036487-C-T. GRCh37 (hg19) VCF-style: chr12-6145653-C-T.
Other names: short protein forms R816Q.
Identifiers: ClinVar variation 100223 (VCV000100223.11), dbSNP rs62643634, ClinGen allele CA228343.
Genomic context (GRCh38, chr12:6,036,487, plus strand): 5'-TACTCCTTGCCCTGATGGAAGCAGGGACACCTTTCCAGGGCCACACATCTGTTCTCATGC[C>T]GGACCTAAGAGAAAAGAATCCAAAAGTCCTCAGGGCCACAGTGACTGATCTAAAGCCCTC-3'
Protein context (NP_000543.3, residues 806-826): SGCLCPPGMV[Arg816Gln]HENRCVALER